The following is an entry in ClinVar:

NM_024422.6(DSC2):c.973G>A (p.Val325Ile)

Gene: DSC2 (desmocollin 2; minus strand). Cytogenetic location: 18q12.1.
Variant type: single nucleotide variant.
Coding change: c.973G>A on transcript NM_024422.6 (MANE Select); coding-DNA position 973, G replaced by A.
Protein change: p.Val325Ile; replaces valine 325 with isoleucine.
Molecular consequence: missense variant.
Genome position (GRCh38, 1-based): chr18:31,083,030, C>T on the plus strand (G>A on the coding strand, the complement: DSC2 is on the minus strand). VCF-style: chr18-31083030-C-T. GRCh37 (hg19) VCF-style: chr18-28662996-C-T.
Other names: c.544G>A, p.Val182Ile (NM_001406506.1, NM_001406507.1); c.973G>A, p.Val325Ile (NM_004949.5); short protein forms V182I, V325I.
Identifiers: ClinVar variation 2981468 (VCV002981468.3), dbSNP rs774922433, ClinGen allele CA040950.

ClinVar aggregate classification (germline): Uncertain significance (1 of 4 stars; one submission).

Conditions:
Arrhythmogenic right ventricular dysplasia 11. Also called: ARRHYTHMOGENIC RIGHT VENTRICULAR DYSPLASIA, FAMILIAL, 11; Arrhythmogenic Right Ventricular Dysplasia/Cardiomyopathy11; Arrhythmogenic right ventricular dysplasia 11 with mild palmoplantar keratoderma and woolly hair. Identifiers: MedGen C1864850, MONDO:0012506, OMIM 610476.

Allele frequency attached by ClinVar (database versions not stated): gnomAD exomes below 0.00001; ExAC 0.00002.
gnomAD v4.1: 2 of 1,612,734 alleles (0.00012%); highest among the groups gnomAD compares: Admixed American, 0.0017%; no homozygotes.

Submission:

Labcorp Genetics (formerly Invitae), Labcorp
Classification: Uncertain significance for Arrhythmogenic right ventricular dysplasia 11. Last evaluated: 2024-12-19. Review status: criteria provided, single submitter. Criteria: Invitae Variant Classification Sherloc (09022015). Collection method: clinical testing. Allele origin: germline.
Comment: This sequence change replaces valine, which is neutral and non-polar, with isoleucine, which is neutral and non-polar, at codon 325 of the DSC2 protein (p.Val325Ile). This variant is present in population databases (rs774922433, gnomAD 0.007%). This variant has not been reported in the literature in individuals affected with DSC2-related conditions. ClinVar contains an entry for this variant (Variation ID: 2981468). Invitae Evidence Modeling of protein sequence and biophysical properties (such as structural, functional, and spatial information, amino acid conservation, physicochemical variation, residue mobility, and thermodynamic stability) indicates that this missense variant is expected to disrupt DSC2 protein function with a positive predictive value of 80%. In summary, the available evidence is currently insufficient to determine the role of this variant in disease. Therefore, it has been classified as a Variant of Uncertain Significance.